The following is an entry in ClinVar:

NM_005629.4(SLC6A8):c.1901T>C (p.Val634Ala)

Gene: SLC6A8 (solute carrier family 6 member 8; plus strand). Cytogenetic location: Xq28.
Variant type: single nucleotide variant.
Coding change: c.1901T>C on transcript NM_005629.4 (MANE Select); coding-DNA position 1901, T replaced by C.
Protein change: p.Val634Ala; replaces valine 634 with alanine.
Molecular consequence: missense variant.
Genome position (GRCh38, 1-based): chrX:153,695,207, T>C. VCF-style: chrX-153695207-T-C. GRCh37 (hg19) VCF-style: chrX-152960662-T-C.
Other names: NM_005629.4(SLC6A8):c.1901T>C; p.Val634Ala; c.1871T>C, p.Val624Ala (NM_001142805.2); c.1556T>C, p.Val519Ala (NM_001142806.1); short protein forms V634A, V519A, V624A.
Identifiers: ClinVar variation 567526 (VCV000567526.13), dbSNP rs1236176576, ClinGen allele CA415091332.

ClinVar aggregate classification (germline): Uncertain significance. Review status: reviewed by expert panel (3 of 4 stars). 4 submissions from 4 submitters: Uncertain significance (1). 3 of the submissions do not count toward it. Last evaluated 2025-03-18.

Conditions:
Creatine deficiency syndrome 1.
Creatine transporter deficiency (CCDS1). Also called: Creatine Transporter (CRTR) Deficiency; Mental retardation , X-linked with seizures, short stature and midface hypoplasia; Mental retardation , X-linked, with creatine transport deficiency; X-linked creatine transporter deficiency; X-linked creatine deficiency syndrome; SLC6A8-Related Creatine Transporter Deficiency. Identifiers: Orphanet 52503, MedGen C1845862, MONDO:0010305, OMIM 300352.

Allele frequency attached by ClinVar (database versions not stated): gnomAD exomes below 0.00001; TOPMed 0.00002.

Submissions (4):

ClinGen Cerebral Creatine Deficiency Syndromes Variant Curation Expert Panel, ClinGen
Classification: Uncertain significance for Creatine transporter deficiency. Last evaluated: 2025-03-18. Review status: reviewed by expert panel. Criteria: ClinGen_CCDS_ACMG_Specifications_SLC6A8_v1.1. Collection method: curation. Allele origin: germline. Inheritance: X-linked inheritance.
Comment: The NM_005629.4:c.1901T>C variant in SLC6A8 is a missense variant predicted to cause the substitution of a valine by an alanine at amino acid position 634 (p.Val634Ala). To our knowledge, this variant has not been reported in the literature and no functional studies are available. In gnomAD v4.1.0. the highest population minor allele frequency (MAF) is 0.00005341 (3/56170 alleles; 1 hemizygote) in the African/African American population. This MAF is higher than the ClinGen CCDS VCEP's threshold for PM2_Supporting (<0.00002) and lower than the threshold for BS1 (>0.0002). Therefore, no population codes are met. The computational predictor REVEL gives a score of 0.336, which is less than the ClinGen CCDS VCEP’s threshold for PP3 (>0.75) but greater than the ClinGen CCDS VCEP’s threshold for BP4 (<0.2), such that neither of these criteria are met. SpliceAI predicts no impact on splicing. There is a ClinVar entry for this variant (Variation ID: 567526). In summary, this variant meets criteria to be classified as a variant of uncertain significance for creatine transporter deficiency. SLC6A8-specific ACMG/AMP criteria applied, as specified by the ClinGen CCDS VCEP (Specifications Version 1.1.0): no criteria met. (Classification approved by the ClinGen Cerebral Creatine Deficiencies Variant Curation Expert Panel on March 18, 2025)

Labcorp Genetics (formerly Invitae), Labcorp
Classification: Benign for Creatine transporter deficiency. Last evaluated: 2023-06-01. Review status: criteria provided, single submitter. Criteria: Invitae Variant Classification Sherloc (09022015). Collection method: clinical testing. Allele origin: germline. Not counted in ClinVar's aggregate classification.

Greenwood Genetic Center Diagnostic Laboratories, Greenwood Genetic Center
Classification: Uncertain significance. Last evaluated: 2021-12-17. Review status: criteria provided, single submitter. Criteria: ACMG Guidelines, 2015. Collection method: clinical testing. Allele origin: germline. Affected: yes. Not counted in ClinVar's aggregate classification.
Comment: PM2

Natera, Inc.
Classification: Uncertain significance for Creatine deficiency syndrome 1. Last evaluated: 2020-03-24. Review status: no assertion criteria provided. Collection method: clinical testing. Allele origin: germline. Not counted in ClinVar's aggregate classification.